The following is an entry in ClinVar:

ClinVar aggregate classification (germline): Uncertain significance. Review status: criteria provided, multiple submitters, no conflicts (2 of 4 stars). 2 submissions from 2 submitters: Uncertain significance (2). Last evaluated 2025-08-04.

Conditions:
Infantile-onset X-linked spinal muscular atrophy. Also called: Spinal muscular atrophy, X-linked 2; AMC, DISTAL, X-LINKED; ARTHROGRYPOSIS, X-LINKED, TYPE I; Spinal Muscular Atrophy, X-Linked Infantile; SPINAL MUSCULAR ATROPHY, X-LINKED LETHAL INFANTILE. Identifiers: Orphanet 1145, MedGen C1844934, MONDO:0010532, OMIM 301830.
Inborn genetic diseases. Identifiers: MedGen C0950123, MeSH D030342.

Submissions (2):

Ambry Genetics
Classification: Uncertain significance for Inborn genetic diseases. Last evaluated: 2025-08-04. Review status: criteria provided, single submitter. Criteria: Ambry Variant Classification Scheme 2023. Collection method: clinical testing. Allele origin: germline.

Labcorp Genetics (formerly Invitae), Labcorp
Classification: Uncertain significance for Infantile-onset X-linked spinal muscular atrophy. Last evaluated: 2019-07-11. Review status: criteria provided, single submitter. Criteria: Invitae Variant Classification Sherloc (09022015). Collection method: clinical testing. Allele origin: germline.
Comment: Algorithms developed to predict the effect of missense changes on protein structure and function (SIFT, PolyPhen-2, Align-GVGD) all suggest that this variant is likely to be tolerated, but these predictions have not been confirmed by published functional studies and their clinical significance is uncertain. This variant has not been reported in the literature in individuals with UBA1-related disease. This variant is not present in population databases (ExAC no frequency). This sequence change replaces aspartic acid with glutamic acid at codon 874 of the UBA1 protein (p.Asp874Glu). The aspartic acid residue is highly conserved and there is a small physicochemical difference between aspartic acid and glutamic acid. In summary, the available evidence is currently insufficient to determine the role of this variant in disease. Therefore, it has been classified as a Variant of Uncertain Significance.

NM_003334.4(UBA1):c.2622C>A (p.Asp874Glu)

Gene: UBA1 (ubiquitin like modifier activating enzyme 1; plus strand). Cytogenetic location: Xp11.3.
Variant type: single nucleotide variant.
Coding change: c.2622C>A on transcript NM_003334.4 (MANE Select); coding-DNA position 2622, C replaced by A.
Protein change: p.Asp874Glu; replaces aspartic acid 874 with glutamic acid.
Molecular consequence: missense variant.
Genome position (GRCh38, 1-based): chrX:47,212,839, C>A. VCF-style: chrX-47212839-C-A. GRCh37 (hg19) VCF-style: chrX-47072238-C-A.
Other names: c.2622C>A, p.Asp874Glu (NM_153280.3); short protein forms D874E.
Identifiers: ClinVar variation 533612 (VCV000533612.11), dbSNP rs1556793890, ClinGen allele CA412810018.